The following is an entry in ClinVar:

NM_006129.5(BMP1):c.1192G>A (p.Gly398Arg)

Gene: BMP1 (bone morphogenetic protein 1; plus strand). Cytogenetic location: 8p21.3.
Variant type: single nucleotide variant.
Coding change: c.1192G>A on transcript NM_006129.5 (MANE Select); coding-DNA position 1192, G replaced by A.
Protein change: p.Gly398Arg; replaces glycine 398 with arginine.
Molecular consequence: missense variant. On other transcripts: non-coding transcript variant (2).
Genome position (GRCh38, 1-based): chr8:22,194,069, G>A. VCF-style: chr8-22194069-G-A. GRCh37 (hg19) VCF-style: chr8-22051582-G-A.
Other names: c.1192G>A, p.Gly398Arg (NM_001199.4); short protein forms G398R.
Identifiers: ClinVar variation 1478600 (VCV001478600.5), dbSNP rs748589871, ClinGen allele CA4664598.

ClinVar aggregate classification (germline): Uncertain significance (1 of 4 stars; one submission).

Allele frequency attached by ClinVar (database versions not stated): gnomAD exomes below 0.00001 and 0.00002; TOPMed below 0.00001; ExAC 0.00001; gnomAD 0.00001.
gnomAD v4.1: 30 of 1,614,020 alleles (0.0019%); highest among the groups gnomAD compares: Non-Finnish European, 0.0024%; no homozygotes.

Submission:

Labcorp Genetics (formerly Invitae), Labcorp
Classification: Uncertain significance. Last evaluated: 2022-10-28. Review status: criteria provided, single submitter. Criteria: Invitae Variant Classification Sherloc (09022015). Collection method: clinical testing. Allele origin: germline.
Comment: This sequence change replaces glycine, which is neutral and non-polar, with arginine, which is basic and polar, at codon 398 of the BMP1 protein (p.Gly398Arg). This variant is present in population databases (rs748589871, gnomAD 0.002%). This variant has not been reported in the literature in individuals affected with BMP1-related conditions. ClinVar contains an entry for this variant (Variation ID: 1478600). Advanced modeling of protein sequence and biophysical properties (such as structural, functional, and spatial information, amino acid conservation, physicochemical variation, residue mobility, and thermodynamic stability) performed at Invitae indicates that this missense variant is not expected to disrupt BMP1 protein function. In summary, the available evidence is currently insufficient to determine the role of this variant in disease. Therefore, it has been classified as a Variant of Uncertain Significance.